The following is an entry in ClinVar:

NM_003482.4(KMT2D):c.15462G>T (p.Arg5154=)

Gene: KMT2D (lysine methyltransferase 2D; minus strand). Cytogenetic location: 12q13.12.
Variant type: single nucleotide variant.
Coding change: c.15462G>T on transcript NM_003482.4 (MANE Select); coding-DNA position 15462, G replaced by T.
Protein change: p.Arg5154=; no amino-acid change (arginine 5154 retained).
Molecular consequence: synonymous variant.
Genome position (GRCh38, 1-based): chr12:49,026,504, C>A on the plus strand (G>T on the coding strand, the complement: KMT2D is on the minus strand). VCF-style: chr12-49026504-C-A. GRCh37 (hg19) VCF-style: chr12-49420287-C-A.
Other names: c.15462G>T (NM_003482.3).
Identifiers: ClinVar variation 1538960 (VCV001538960.10), dbSNP rs748991106, ClinGen allele CA6545562.
Genomic context (GRCh38, chr12:49,026,504, plus strand): 5'-CCGTTCTCCCCGCTGAATGATGCTAGCGATTTGCTTCACCTCGTCCCGCTCAATGTAGAC[C>A]CGCCGGAAGACAGCAAAAGAGCTCAGCTCTTGCTCACAGGGCCCCTTGATCTTATGCATT-3'
Protein context (NP_003473.3, residues 5144-5164): QELSSFAVFR[Arg5154=]VYIERDEVKQ

ClinVar aggregate classification (germline): Likely benign. Review status: criteria provided, single submitter (1 of 4 stars). 2 submissions from 2 submitters: Likely benign (1). 1 of the submissions does not count toward it. Last evaluated 2022-12-15.

Conditions:
KMT2D-related disorder. Also called: KMT2D-Related Disorders.
Kabuki syndrome. Also called: NIIKAWA-KUROKI SYNDROME; Kabuki make-up syndrome. Identifiers: Orphanet 2322, MedGen C0796004, MONDO:0016512.

Allele frequency attached by ClinVar (database versions not stated): gnomAD exomes below 0.00001 and 0.00001; ExAC 0.00001; TOPMed 0.00001; gnomAD 0.00002.
gnomAD v4.1: 8 of 1,613,836 alleles (0.0005%); highest among the groups gnomAD compares: African/African-American, 0.0067%; no homozygotes.

Submissions (2):

Labcorp Genetics (formerly Invitae), Labcorp
Classification: Likely benign for Kabuki syndrome. Last evaluated: 2022-12-15. Review status: criteria provided, single submitter. Criteria: Invitae Variant Classification Sherloc (09022015). Collection method: clinical testing. Allele origin: germline.

PreventionGenetics, part of Exact Sciences
Classification: Likely benign for KMT2D-related condition. Last evaluated: 2022-04-10. Review status: no assertion criteria provided. Collection method: clinical testing. Allele origin: germline. Not counted in ClinVar's aggregate classification.
Comment: This variant is classified as likely benign based on ACMG/AMP sequence variant interpretation guidelines (Richards et al. 2015 PMID: 25741868, with internal and published modifications).